The following is an entry in ClinVar:

NM_201378.4(PLEC):c.71-11669G>A

Gene: PLEC (plectin; minus strand). Cytogenetic location: 8q24.3.
Variant type: single nucleotide variant.
Coding change: c.71-11669G>A on transcript NM_201378.4 (MANE Plus Clinical); 11669 bases into the intron before coding-DNA position 71, G replaced by A.
Molecular consequence: intron variant. On other transcripts: missense variant (1).
Genome position (GRCh38, 1-based): chr8:143,950,361, C>T on the plus strand (G>A on the coding strand, the complement: PLEC is on the minus strand). VCF-style: chr8-143950361-C-T. GRCh37 (hg19) VCF-style: chr8-145024529-C-T.
Other names: c.346G>A, p.Val116Met (NM_201380.4); c.194-11669G>A (NM_001410941.1, NM_000445.5); c.46+3365G>A (NM_201379.3); short protein forms V116M.
Identifiers: ClinVar variation 4981096 (VCV004981096.1).
Genomic context (GRCh38, chr8:143,950,361, plus strand): 5'-CCTCCGTCGGCAGCGGCCCCCGCTTGGGTGGGGAGCCCAGGGGACCCTGCACAGCCTGCA[C>T]GTGGGGGGTGCGGCGTGCGGGCATCACCATGGCGACGGGGCGGCGCACGCGCTGCAGAGA-3'

ClinVar aggregate classification (germline): Uncertain significance (1 of 4 stars; one submission).

Conditions:
PLEC-related disorder. Also called: PLEC-related condition; PLEC-related disorders.

gnomAD v4.1: 17 of 1,588,898 alleles (0.0011%); highest among the groups gnomAD compares: East Asian, 0.011%; no homozygotes.

Submission:

PreventionGenetics, part of Exact Sciences
Classification: Uncertain significance for PLEC-related condition. Last evaluated: 2025-10-14. Review status: criteria provided, single submitter. Criteria: ACMG Guidelines, 2015. Collection method: clinical testing. Allele origin: germline.
Comment: The PLEC c.346G>A variant is predicted to result in the amino acid substitution p.Val116Met. In the canonical PLEC transcript (NM_000445.4) this variant is deep intronic (c.194-11669G>A). To our knowledge, this variant has not been reported in the literature. This variant is reported in 0.0085% of alleles in individuals of African descent in gnomAD. At this time, the clinical significance of this variant is uncertain due to the absence of conclusive functional and genetic evidence.